The following is an entry in ClinVar:

NM_014795.4(ZEB2):c.2456C>G (p.Ser819Ter)

Gene: ZEB2 (zinc finger E-box binding homeobox 2; minus strand). Cytogenetic location: 2q22.3.
Variant type: single nucleotide variant.
Coding change: c.2456C>G on transcript NM_014795.4 (MANE Select); coding-DNA position 2456, C replaced by G.
Protein change: p.Ser819Ter; replaces serine 819 with a stop codon.
Molecular consequence: nonsense.
Genome position (GRCh38, 1-based): chr2:144,398,731, G>C on the plus strand (C>G on the coding strand, the complement: ZEB2 is on the minus strand). VCF-style: chr2-144398731-G-C. GRCh37 (hg19) VCF-style: chr2-145156298-G-C.
Other names: c.2384C>G, p.Ser795Ter (NM_001171653.2); short protein forms S795*, S819*.
Identifiers: ClinVar variation 5016789 (VCV005016789.1).

ClinVar aggregate classification (germline): Pathogenic (1 of 4 stars; one submission).

Submission:

GeneDx
Classification: Pathogenic. Last evaluated: 2026-04-07. Review status: criteria provided, single submitter. Criteria: GeneDx Variant Classification Process June 2021. Collection method: clinical testing. Allele origin: germline.
Comment: Nonsense variant predicted to result in protein truncation or nonsense mediated decay in a gene for which loss of function is a known mechanism of disease; Not observed at significant frequency in large population cohorts (gnomAD); This variant is associated with the following publications: (PMID: 41454799, 36406119)